The following is an entry in ClinVar:

ClinVar aggregate classification (germline): Pathogenic (1 of 4 stars; one submission).

Conditions:
Charcot-Marie-Tooth disease type 2. Also called: Charcot-Marie-Tooth type 2. Identifiers: Orphanet 64746, MedGen C0270914, MONDO:0018993.

Submission:

Labcorp Genetics (formerly Invitae), Labcorp
Classification: Pathogenic for Charcot-Marie-Tooth disease type 2. Last evaluated: 2023-06-16. Review status: criteria provided, single submitter. Criteria: Invitae Variant Classification Sherloc (09022015). Collection method: clinical testing. Allele origin: germline.
Comment: This sequence change creates a premature translational stop signal (p.Val620Leufs*31) in the MFN2 gene. It is expected to result in an absent or disrupted protein product. Loss-of-function variants in MFN2 are known to be pathogenic (PMID: 16714318, 16835246, 21715711, 23781337, 26955893). For these reasons, this variant has been classified as Pathogenic. This variant has not been reported in the literature in individuals affected with MFN2-related conditions. This variant is not present in population databases (gnomAD no frequency).

Literature cited by the submitters: PubMed 16714318; PubMed 16835246; PubMed 21715711; PubMed 23781337; PubMed 26955893.

NM_014874.4(MFN2):c.1854del (p.Val620fs)

Gene: MFN2 (mitofusin 2; plus strand). Cytogenetic location: 1p36.22.
Variant type: Deletion.
Coding change: c.1854del on transcript NM_014874.4 (MANE Select); coding-DNA position 1854, one base deleted (T; older notation c.1854delT).
Protein change: p.Val620fs; shifts the reading frame from valine 620.
Molecular consequence: frameshift variant.
Genome position (GRCh38, 1-based): chr1:12,006,675, T deleted; the last of 2 consecutive T bases (chr1:12,006,674-12,006,675); deleting either gives the same sequence. VCF-style (leftmost placement, unchanged base first): chr1-12006673-AT-A. GRCh37 (hg19) VCF-style: chr1-12066730-AT-A.
Other names: c.1854del, p.Val620fs (NM_001127660.2); short protein forms V620fs.
Identifiers: ClinVar variation 2717179 (VCV002717179.3), dbSNP rs2523095452, ClinGen allele CA2697552185.
Genomic context (GRCh38, chr1:12,006,673, plus strand): 5'-GAGTTCATGGTTTCCATGGTTACCGGCCTGGCCTCCTTGACATCCAGGACCTCCATGGGC[AT>A]TCTTGTTGTTGGAGGAGTGGTCAGTGACCAGTTCTGCTCGGGAAGGTGGGGGCGGAGGGC-3'